The following is an entry in ClinVar:

NM_000075.4(CDK4):c.683+8del

Genes: CDK4 (cyclin dependent kinase 4; minus strand), TSPAN31 (tetraspanin 31; plus strand). Cytogenetic location: 12q14.1.
Variant type: Deletion.
Coding change: c.683+8del on transcript NM_000075.4 (MANE Select); 8 bases into the intron after coding-DNA position 683, one base deleted (A; older notation c.683+8delA).
Molecular consequence: intron variant. On other transcripts: 3 prime UTR variant (3).
Genome position (GRCh38, 1-based): chr12:57,749,446, T deleted on the plus strand (A on the coding strand, the reverse complement: CDK4 is on the minus strand). VCF-style (leftmost placement, unchanged base first): chr12-57749445-GT-G. GRCh37 (hg19) VCF-style: chr12-58143228-GT-G.
Other names: c.*2156del (NM_001330168.2, NM_001330169.2, NM_005981.5).
Identifiers: ClinVar variation 1145091 (VCV001145091.10), dbSNP rs2140383751, ClinGen allele CA2499221772.

ClinVar aggregate classification (germline): Likely benign. Review status: criteria provided, multiple submitters, no conflicts (2 of 4 stars). 2 submissions from 2 submitters: Likely benign (2). Last evaluated 2024-09-26.

Conditions:
Familial melanoma. Also called: Hereditary melanoma; Hereditary cutaneous melanoma. Identifiers: Orphanet 618, MedGen C1512419, MONDO:0018961.
Melanoma, cutaneous malignant, susceptibility to, 3. Also called: Cutaneous malignant melanoma 3. Identifiers: Orphanet 618, MedGen C1836892, MONDO:0012183, OMIM 609048.

Submissions (2):

Myriad Genetics, Inc.
Classification: Likely benign for Melanoma, cutaneous malignant, susceptibility to, 3. Last evaluated: 2024-09-26. Review status: criteria provided, single submitter. Criteria: Myriad Autosomal Dominant, Autosomal Recessive and X-Linked Classification Criteria (2023). Collection method: clinical testing. Allele origin: unknown.
Comment: This variant is considered likely benign. This variant is intronic and is not expected to impact mRNA splicing.

Labcorp Genetics (formerly Invitae), Labcorp
Classification: Likely benign for Familial melanoma. Last evaluated: 2022-09-10. Review status: criteria provided, single submitter. Criteria: Invitae Variant Classification Sherloc (09022015). Collection method: clinical testing. Allele origin: germline.